The following is an entry in ClinVar:

NM_004426.3(PHC1):c.71C>T (p.Pro24Leu)

Gene: PHC1 (polyhomeotic homolog 1; plus strand). Cytogenetic location: 12p13.31.
Variant type: single nucleotide variant.
Coding change: c.71C>T on transcript NM_004426.3 (MANE Select); coding-DNA position 71, C replaced by T.
Protein change: p.Pro24Leu; replaces proline 24 with leucine.
Molecular consequence: missense variant.
Genome position (GRCh38, 1-based): chr12:8,917,748, C>T. VCF-style: chr12-8917748-C-T. GRCh37 (hg19) VCF-style: chr12-9070344-C-T.
Other names: short protein forms P24L.
Identifiers: ClinVar variation 1031420 (VCV001031420.1), dbSNP rs749021560, ClinGen allele CA6436709.

ClinVar aggregate classification (germline): Uncertain significance (1 of 4 stars; one submission).

Conditions:
Microcephaly 11, primary, autosomal recessive. Identifiers: Orphanet 2512, MedGen C3809431, MONDO:0014173, OMIM 615414.

Allele frequency attached by ClinVar (database versions not stated): gnomAD exomes below 0.00001; ExAC 0.00001.

Submission:

Baylor Genetics
Classification: Uncertain significance for Microcephaly 11, primary, autosomal recessive. Last evaluated: 2018-05-14. Review status: criteria provided, single submitter. Criteria: ACMG Guidelines, 2015. Collection method: clinical testing. Allele origin: paternal. Affected: yes.
Comment: This variant was determined to be of uncertain significance according to ACMG Guidelines, 2015 [PMID:25741868].